The following is an entry in ClinVar:

NM_004946.3(DOCK2):c.4157A>G (p.Glu1386Gly)

Gene: DOCK2 (dedicator of cytokinesis 2; plus strand). Cytogenetic location: 5q35.1.
Variant type: single nucleotide variant.
Coding change: c.4157A>G on transcript NM_004946.3 (MANE Select); coding-DNA position 4157, A replaced by G.
Protein change: p.Glu1386Gly; replaces glutamic acid 1386 with glycine.
Molecular consequence: missense variant. On other transcripts: non-coding transcript variant (1).
Genome position (GRCh38, 1-based): chr5:170,050,341, A>G. VCF-style: chr5-170050341-A-G. GRCh37 (hg19) VCF-style: chr5-169477345-A-G.
Other names: short protein forms E1386G.
Identifiers: ClinVar variation 1376293 (VCV001376293.6), dbSNP rs1172738016, ClinGen allele CA362110258.

ClinVar aggregate classification (germline): Uncertain significance (1 of 4 stars; one submission).

Conditions:
DOCK2 deficiency. Also called: Immunodeficiency 40. Identifiers: Orphanet 447737, MedGen C4225328, MONDO:0014637, OMIM 616433.

Allele frequency attached by ClinVar (database versions not stated): gnomAD exomes below 0.00001; TOPMed below 0.00001.
gnomAD v4.1: 5 of 1,614,180 alleles (0.00031%); highest among the groups gnomAD compares: Non-Finnish European, 0.00042%; no homozygotes.

Submission:

Labcorp Genetics (formerly Invitae), Labcorp
Classification: Uncertain significance for DOCK2 deficiency. Last evaluated: 2021-06-24. Review status: criteria provided, single submitter. Criteria: Invitae Variant Classification Sherloc (09022015). Collection method: clinical testing. Allele origin: germline.
Comment: This variant has not been reported in the literature in individuals with DOCK2-related conditions. This sequence change replaces glutamic acid with glycine at codon 1386 of the DOCK2 protein (p.Glu1386Gly). The glutamic acid residue is highly conserved and there is a moderate physicochemical difference between glutamic acid and glycine. This variant is not present in population databases (ExAC no frequency). Algorithms developed to predict the effect of missense changes on protein structure and function are either unavailable or do not agree on the potential impact of this missense change (SIFT: "Tolerated"; PolyPhen-2: "Possibly Damaging"; Align-GVGD: "Class C0"). In summary, the available evidence is currently insufficient to determine the role of this variant in disease. Therefore, it has been classified as a Variant of Uncertain Significance.